The following is an entry in ClinVar:

ClinVar aggregate classification (germline): Uncertain significance. Review status: criteria provided, multiple submitters, no conflicts (2 of 4 stars). 2 submissions from 2 submitters: Uncertain significance (2). Last evaluated 2025-08-04.

Conditions:
Inborn genetic diseases. Identifiers: MedGen C0950123, MeSH D030342.

Allele frequency attached by ClinVar (database versions not stated): ExAC 0.00001; gnomAD 0.00001; gnomAD exomes 0.00001; TOPMed 0.00002.
gnomAD v4.1: 8 of 1,613,508 alleles (0.0005%); highest among the groups gnomAD compares: Admixed American, 0.012%; no homozygotes.

Submissions (2):

Ambry Genetics
Classification: Uncertain significance for Inborn genetic diseases. Last evaluated: 2025-08-04. Review status: criteria provided, single submitter. Criteria: Ambry Variant Classification Scheme 2023. Collection method: clinical testing. Allele origin: germline.

Labcorp Genetics (formerly Invitae), Labcorp
Classification: Uncertain significance. Last evaluated: 2022-02-03. Review status: criteria provided, single submitter. Criteria: Invitae Variant Classification Sherloc (09022015). Collection method: clinical testing. Allele origin: germline.
Comment: This sequence change replaces proline, which is neutral and non-polar, with serine, which is neutral and polar, at codon 74 of the LCA5 protein (p.Pro74Ser). This variant is present in population databases (rs777996740, gnomAD 0.009%). This variant has not been reported in the literature in individuals affected with LCA5-related conditions. Algorithms developed to predict the effect of missense changes on protein structure and function output the following: SIFT: "Deleterious"; PolyPhen-2: "Benign"; Align-GVGD: "Class C0". The serine amino acid residue is found in multiple mammalian species, which suggests that this missense change does not adversely affect protein function. In summary, the available evidence is currently insufficient to determine the role of this variant in disease. Therefore, it has been classified as a Variant of Uncertain Significance.

NM_001122769.3(LCA5):c.220C>T (p.Pro74Ser)

Gene: LCA5 (lebercilin LCA5; minus strand). Cytogenetic location: 6q14.1.
Variant type: single nucleotide variant.
Coding change: c.220C>T on transcript NM_001122769.3 (MANE Select); coding-DNA position 220, C replaced by T.
Protein change: p.Pro74Ser; replaces proline 74 with serine.
Molecular consequence: missense variant.
Genome position (GRCh38, 1-based): chr6:79,513,712, G>A on the plus strand (C>T on the coding strand, the complement: LCA5 is on the minus strand). VCF-style: chr6-79513712-G-A. GRCh37 (hg19) VCF-style: chr6-80223429-G-A.
Other names: c.220C>T, p.Pro74Ser (NM_181714.4); c.220C>T (NM_181714.3); short protein forms P74S.
Identifiers: ClinVar variation 2060140 (VCV002060140.2), dbSNP rs777996740, ClinGen allele CA3901165.